The following is an entry in ClinVar:

ClinVar aggregate classification (germline): Benign. Review status: criteria provided, multiple submitters, no conflicts (2 of 4 stars). 4 submissions from 3 submitters: Benign (3). 1 of the submissions does not count toward it. Last evaluated 2025-08-07.

Conditions:
Atrichia with papular lesions (APL). Also called: PAPULAR ATRICHIA. Identifiers: Orphanet 86819, MedGen C1859592, MONDO:0008847, OMIM 209500.
Alopecia universalis congenita (ALUNC). Also called: ATRICHIA, GENERALIZED. Identifiers: Orphanet 701, MedGen C1859877, MONDO:0008757, OMIM 203655.
HR-related disorder. Also called: HR-related condition; HR-related disorders. Identifiers: MedGen CN239293.

Allele frequency attached by ClinVar (database versions not stated): ESP Exome Variant Server 0.00008; gnomAD 0.00050 and 0.00083; TOPMed 0.00117; gnomAD exomes 0.00168; ExAC 0.00185; 1000 Genomes Project 30x 0.00328; 1000 Genomes Project 0.00379.
gnomAD v4.1: 1,201 of 1,613,532 alleles (0.074%); highest among the groups gnomAD compares: East Asian, 2.3%; 18 homozygotes.

Submissions (4):

Labcorp Genetics (formerly Invitae), Labcorp
Classification: Benign. Last evaluated: 2025-08-07. Review status: criteria provided, single submitter. Criteria: Invitae Variant Classification Sherloc (09022015). Collection method: clinical testing. Allele origin: germline.

Illumina Laboratory Services, Illumina
Classification: Benign for Atrichia with papular lesions. Last evaluated: 2018-01-13. Review status: criteria provided, single submitter. Criteria: ICSL Variant Classification Criteria 13 December 2019. Collection method: clinical testing. Allele origin: germline.
Comment: This variant was observed in the ICSL laboratory as part of a predisposition screen in an ostensibly healthy population. It had not been previously curated by ICSL or reported in the Human Gene Mutation Database (HGMD: prior to June 1st, 2018), and was therefore a candidate for classification through an automated scoring system. Utilizing variant allele frequency, disease prevalence and penetrance estimates, and inheritance mode, an automated score was calculated to assess if this variant is too frequent to cause the disease. Based on the score and internal cut-off values, a variant classified as benign is not then subjected to further curation. The score for this variant resulted in a classification of benign for this disease.

Illumina Laboratory Services, Illumina
Classification: Benign for Alopecia universalis congenita. Last evaluated: 2018-01-13. Review status: criteria provided, single submitter. Criteria: ICSL Variant Classification Criteria 13 December 2019. Collection method: clinical testing. Allele origin: germline.
Comment: the same text as in the submission from Illumina Laboratory Services, Illumina above.

PreventionGenetics, part of Exact Sciences
Classification: Benign for HR-related condition. Last evaluated: 2019-12-09. Review status: no assertion criteria provided. Collection method: clinical testing. Allele origin: germline. Not counted in ClinVar's aggregate classification.
Comment: This variant is classified as benign based on ACMG/AMP sequence variant interpretation guidelines (Richards et al. 2015 PMID: 25741868, with internal and published modifications).

NM_005144.5(HR):c.1572G>A (p.Gly524=)

Gene: HR (HR lysine demethylase and nuclear receptor corepressor; minus strand). Cytogenetic location: 8p21.3.
Variant type: single nucleotide variant.
Coding change: c.1572G>A on transcript NM_005144.5 (MANE Select); coding-DNA position 1572, G replaced by A.
Protein change: p.Gly524=; no amino-acid change (glycine 524 retained).
Molecular consequence: synonymous variant.
Genome position (GRCh38, 1-based): chr8:22,125,489, C>T on the plus strand (G>A on the coding strand, the complement: HR is on the minus strand). VCF-style: chr8-22125489-C-T. GRCh37 (hg19) VCF-style: chr8-21983002-C-T.
Other names: c.1572G>A, p.Gly524= (NM_018411.4).
Identifiers: ClinVar variation 362512 (VCV000362512.15), dbSNP rs149811800, ClinGen allele CA4662410.